The following is an entry in ClinVar:

ClinVar aggregate classification (germline): Conflicting classifications of pathogenicity. Review status: criteria provided, conflicting classifications (1 of 4 stars). 5 submissions from 5 submitters: Uncertain significance (4); Likely benign (1). Last evaluated 2026-05-29.

Conditions:
Inborn genetic diseases. Identifiers: MedGen C0950123, MeSH D030342.
ADGRV1-related disorder. Also called: ADGRV1-related disorders; ADGRV1-related condition.
Usher syndrome. Also called: Usher Syndromes; Usher's syndrome. Identifiers: Orphanet 886, MedGen CN469326, MeSH D052245, MONDO:0019501. Disease mechanism: loss of function.

Allele frequency attached by ClinVar (database versions not stated): gnomAD 0.00003 and 0.00004; TOPMed 0.00005; ExAC 0.00012.
gnomAD v4.1: 30 of 1,544,088 alleles (0.0019%); highest among the groups gnomAD compares: Admixed American, 0.054%; no homozygotes.

Submissions (5):

PreventionGenetics, part of Exact Sciences
Classification: Uncertain significance for ADGRV1-related condition. Last evaluated: 2026-05-29. Review status: criteria provided, single submitter. Criteria: ACMG Guidelines, 2015. Collection method: clinical testing. Allele origin: germline.
Comment: The ADGRV1 c.10007C>T variant is predicted to result in the amino acid substitution p.Ser3336Phe. To our knowledge, this variant has not been reported in the literature. This variant is reported in 0.11% of alleles in individuals of Latino descent in gnomAD. Although we suspect that this variant may be benign, at this time, the clinical significance of this variant is uncertain due to the absence of conclusive functional and genetic evidence.

Labcorp Genetics (formerly Invitae), Labcorp
Classification: Likely benign. Last evaluated: 2026-01-27. Review status: criteria provided, single submitter. Criteria: Invitae Variant Classification Sherloc (09022015). Collection method: clinical testing. Allele origin: germline.

Ambry Genetics
Classification: Uncertain significance for Inborn genetic diseases. Last evaluated: 2025-02-20. Review status: criteria provided, single submitter. Criteria: Ambry Variant Classification Scheme 2023. Collection method: clinical testing. Allele origin: germline.

Laboratory for Molecular Medicine, Mass General Brigham Personalized Medicine
Classification: Uncertain significance for Usher syndrome. Last evaluated: 2022-12-01. Review status: criteria provided, single submitter. Criteria: ACMG Guidelines, 2015. Collection method: clinical testing. Allele origin: germline.
Comment: The p.Ser3336Phe variant in ADGRV1 has not been previously reported in individuals with autosomal recessive Usher syndrome but has been identified in 0.107% (25/23386) Latin/Admixed American chromosomes by gnomAD (v2.1.1). This variant has also been reported in ClinVar (Variation ID 1367599). Computational prediction tools and conservation analyses do not provide strong support for or against an impact to the protein. In summary, the clinical significance of this variant is uncertain. ACMG/AMP Criteria applied: BS1_Supporting.

Blueprint Genetics
Classification: Uncertain significance. Last evaluated: 2019-05-20. Review status: criteria provided, single submitter. Criteria: ACMG Guidelines, 2015. Collection method: clinical testing. Allele origin: germline.

NM_032119.4(ADGRV1):c.10007C>T (p.Ser3336Phe)

Gene: ADGRV1 (adhesion G protein-coupled receptor V1; plus strand). Cytogenetic location: 5q14.3.
Variant type: single nucleotide variant.
Coding change: c.10007C>T on transcript NM_032119.4 (MANE Select); coding-DNA position 10007, C replaced by T.
Protein change: p.Ser3336Phe; replaces serine 3336 with phenylalanine.
Molecular consequence: missense variant. On other transcripts: non-coding transcript variant (1).
Genome position (GRCh38, 1-based): chr5:90,725,186, C>T. VCF-style: chr5-90725186-C-T. GRCh37 (hg19) VCF-style: chr5-90021003-C-T.
Other names: c.10007C>T (NM_032119.3); short protein forms S3336F.
Identifiers: ClinVar variation 1367599 (VCV001367599.10), dbSNP rs781697491, ClinGen allele CA3340642.
Genomic context (GRCh38, chr5:90,725,186, plus strand): 5'-ATATTGGTTTTTCTCCCTACTTTGTGATTACTCATGAAGAAAGAAATGAAGAAAAGCCTT[C>T]TCTTAACAGTGTGTTTACATTCACATCTGGATTTAAATTATTCCTGGTAAAAACATTTTC-3'
Protein context (NP_115495.3, residues 3326-3346): THEERNEEKP[Ser3336Phe]LNSVFTFTSG